The following is an entry in ClinVar:

NM_005529.7(HSPG2):c.1743G>C (p.Gln581His)

Gene: HSPG2 (heparan sulfate proteoglycan 2; minus strand). Cytogenetic location: 1p36.12.
Variant type: single nucleotide variant.
Coding change: c.1743G>C on transcript NM_005529.7 (MANE Select); coding-DNA position 1743, G replaced by C.
Protein change: p.Gln581His; replaces glutamine 581 with histidine.
Molecular consequence: missense variant.
Genome position (GRCh38, 1-based): chr1:21,881,414, C>G on the plus strand (G>C on the coding strand, the complement: HSPG2 is on the minus strand). VCF-style: chr1-21881414-C-G. GRCh37 (hg19) VCF-style: chr1-22207907-C-G.
Other names: c.1746G>C, p.Gln582His (NM_001291860.2); short protein forms Q581H, Q582H.
Identifiers: ClinVar variation 3623486 (VCV003623486.2).

ClinVar aggregate classification (germline): Uncertain significance (1 of 4 stars; one submission).

Submission:

Labcorp Genetics (formerly Invitae), Labcorp
Classification: Uncertain significance. Last evaluated: 2024-04-14. Review status: criteria provided, single submitter. Criteria: Invitae Variant Classification Sherloc (09022015). Collection method: clinical testing. Allele origin: germline.
Comment: This sequence change replaces glutamine, which is neutral and polar, with histidine, which is basic and polar, at codon 581 of the HSPG2 protein (p.Gln581His). This variant is not present in population databases (gnomAD no frequency). This variant has not been reported in the literature in individuals affected with HSPG2-related conditions. An algorithm developed to predict the effect of missense changes on protein structure and function (PolyPhen-2) suggests that this variant is likely to be disruptive. In summary, the available evidence is currently insufficient to determine the role of this variant in disease. Therefore, it has been classified as a Variant of Uncertain Significance.